The following is an entry in ClinVar:

NM_000038.6(APC):c.5834_5838dup (p.Thr1947fs)

Gene: APC (APC regulator of Wnt signaling pathway; plus strand). Cytogenetic location: 5q22.2.
Variant type: Duplication.
Coding change: c.5834_5838dup on transcript NM_000038.6 (MANE Select); coding-DNA positions 5834 to 5838, 5 bases duplicated (CAGCA; older notation c.5834_5838dupCAGCA).
Protein change: p.Thr1947fs; shifts the reading frame from threonine 1947.
Molecular consequence: frameshift variant.
Genome position (GRCh38, 1-based): chr5:112,841,428-112,841,432, CAGCA duplicated. VCF-style (leftmost placement, unchanged base first): chr5-112841427-G-GCAGCA. GRCh37 (hg19) VCF-style: chr5-112177124-G-GCAGCA.
Other names: c.5834_5838dup, p.Thr1947fs (NM_001127510.3, NM_001354895.2); c.5780_5784dup, p.Thr1929fs (NM_001127511.3); c.5888_5892dup, p.Thr1965fs (NM_001354896.2); c.5864_5868dup, p.Thr1957fs (NM_001354897.2); c.5759_5763dup, p.Thr1922fs (NM_001354898.2); c.5750_5754dup, p.Thr1919fs (NM_001354899.2); c.5711_5715dup, p.Thr1906fs (NM_001354900.2); c.5657_5661dup, p.Thr1888fs (NM_001354901.2); and 16 more; short protein forms T1787fs, T1821fs, T1846fs, T1929fs, T1957fs, T1965fs, T1664fs, T1888fs.
Identifiers: ClinVar variation 1749982 (VCV001749982.3), dbSNP rs2533671110, ClinGen allele CA2580072765.

ClinVar aggregate classification (germline): Pathogenic (1 of 4 stars; one submission).

Conditions:
Hereditary cancer-predisposing syndrome. Also called: Hereditary Cancer Syndrome; Hereditary neoplastic syndrome; Neoplastic Syndromes, Hereditary; Tumor predisposition. Identifiers: Orphanet 140162, MedGen C0027672, MeSH D009386, MONDO:0015356.

Submission:

Ambry Genetics
Classification: Pathogenic for Hereditary cancer-predisposing syndrome. Last evaluated: 2025-10-14. Review status: criteria provided, single submitter. Criteria: Ambry Variant Classification Scheme 2023. Collection method: clinical testing. Allele origin: germline.
Comment: The c.5834_5838dupCAGCA pathogenic mutation, located in coding exon 15 of the APC gene, results from a duplication of CAGCA at nucleotide position 5834, causing a translational frameshift with a predicted alternate stop codon (p.T1947Qfs*25). This alteration occurs at the 3' terminus of the APC gene, is not expected to trigger nonsense-mediated mRNA decay, and impacts the last 897 amino acids of the protein. However, premature stop codons are typically deleterious in nature, the impacted region is critical for protein function, and a significant portion of the protein is affected (Ambry internal data). This alteration has been observed in at least one individual with a personal and/or family history that is consistent with APC-related disease (Ambry internal data). This variant is considered to be rare based on population cohorts in the Genome Aggregation Database (gnomAD). Based on the supporting evidence, this alteration is interpreted as a disease-causing mutation.